The following is an entry in ClinVar:

NM_000069.3(CACNA1S):c.5606T>C (p.Ile1869Thr)

Gene: CACNA1S (calcium voltage-gated channel subunit alpha1 S; minus strand). Cytogenetic location: 1q32.1.
Variant type: single nucleotide variant.
Coding change: c.5606T>C on transcript NM_000069.3 (MANE Select); coding-DNA position 5606, T replaced by C.
Protein change: p.Ile1869Thr; replaces isoleucine 1869 with threonine.
Molecular consequence: missense variant.
Genome position (GRCh38, 1-based): chr1:201,039,847, A>G on the plus strand (T>C on the coding strand, the complement: CACNA1S is on the minus strand). VCF-style: chr1-201039847-A-G. GRCh37 (hg19) VCF-style: chr1-201008975-A-G.
Other names: short protein forms I1869T.
Identifiers: ClinVar variation 941429 (VCV000941429.10), dbSNP rs1660054479, ClinGen allele CA344127365.
Genomic context (GRCh38, chr1:201,039,847, plus strand): 5'-ATTGGTCATGCCAGCTCTAAGCCCATGCTGATGCTGTGTGGGCATCACAGCCTTGGAGGA[A>G]TAAGGGTCTCCTGGGAGCCCTGGTGTTGGTCGAGGCTGCCCAGGGAGGACCCGAGGTTCA-3'
Protein context (NP_000060.2, residues 1859-1873): DQHQGSQETL[Ile1869Thr]PPRL

ClinVar aggregate classification (germline): Uncertain significance (1 of 4 stars; one submission).

Conditions:
Hypokalemic periodic paralysis, type 1. Also called: HypoPP; Hypokalemic Periodic Paralysis Type 1 (AD). Identifiers: Orphanet 681, MedGen C3714580, MONDO:0042979, OMIM 170400.
Malignant hyperthermia, susceptibility to, 5 (MHS5). Also called: CACNA1S-Related Malignant Hyperthermia Susceptibility. Identifiers: Orphanet 423, MedGen C1866077, MONDO:0011163, OMIM 601887.

Submission:

Labcorp Genetics (formerly Invitae), Labcorp
Classification: Uncertain significance for Hypokalemic periodic paralysis, type 1; Malignant hyperthermia, susceptibility to, 5. Last evaluated: 2022-03-18. Review status: criteria provided, single submitter. Criteria: Invitae Variant Classification Sherloc (09022015). Collection method: clinical testing. Allele origin: germline.
Comment: This variant has not been reported in the literature in individuals affected with CACNA1S-related conditions. ClinVar contains an entry for this variant (Variation ID: 941429). Advanced modeling of protein sequence and biophysical properties (such as structural, functional, and spatial information, amino acid conservation, physicochemical variation, residue mobility, and thermodynamic stability) performed at Invitae indicates that this missense variant is not expected to disrupt CACNA1S protein function. In summary, the available evidence is currently insufficient to determine the role of this variant in disease. Therefore, it has been classified as a Variant of Uncertain Significance. This variant is not present in population databases (gnomAD no frequency). This sequence change replaces isoleucine, which is neutral and non-polar, with threonine, which is neutral and polar, at codon 1869 of the CACNA1S protein (p.Ile1869Thr).